The following is an entry in ClinVar:

NM_000051.4(ATM):c.7732G>C (p.Ala2578Pro)

Genes: C11orf65 (chromosome 11 open reading frame 65; minus strand), ATM (ATM serine/threonine kinase; plus strand). Cytogenetic location: 11q22.3.
Variant type: single nucleotide variant.
Coding change: c.7732G>C on transcript NM_000051.4 (MANE Select); coding-DNA position 7732, G replaced by C.
Protein change: p.Ala2578Pro; replaces alanine 2578 with proline.
Molecular consequence: missense variant. On other transcripts: intron variant (2).
Genome position (GRCh38, 1-based): chr11:108,331,981, G>C. VCF-style: chr11-108331981-G-C. GRCh37 (hg19) VCF-style: chr11-108202708-G-C.
Other names: c.7732G>C, p.Ala2578Pro (NM_001351834.2); c.641-22910C>G (NM_001330368.2); c.*38+3239C>G (NM_001351110.2); short protein forms A2578P.
Identifiers: ClinVar variation 485226 (VCV000485226.9), dbSNP rs1555124632, ClinGen allele CA382561107.
Genomic context (GRCh38, chr11:108,331,981, plus strand): 5'-TTTATTATACTGGCCTTAGCAAATGCAAACAGAGATGAATTTCTGACTAAACCAGAGGTA[G>C]CCAGAAGAAGCAGAATAACTAAAAATGTGCCTAAACAAAGCTCTCAGCTTGATGAGGTAT-3'
Protein context (NP_000042.3, residues 2568-2588): RDEFLTKPEV[Ala2578Pro]RRSRITKNVP

ClinVar aggregate classification (germline): Uncertain significance. Review status: criteria provided, multiple submitters, no conflicts (2 of 4 stars). 2 submissions from 2 submitters: Uncertain significance (2). Last evaluated 2024-07-25.

Conditions:
Hereditary cancer-predisposing syndrome. Also called: Neoplastic Syndromes, Hereditary; Hereditary Cancer Syndrome; Tumor predisposition; Hereditary neoplastic syndrome. Identifiers: Orphanet 140162, MedGen C0027672, MeSH D009386, MONDO:0015356.
Ataxia-telangiectasia syndrome (AT). Also called: LOUIS-BAR SYNDROME; Cerebello-oculocutaneous telangiectasia; Immunodeficiency with ataxia telangiectasia; Ataxia-telangiectasia, complementation group D; AT, COMPLEMENTATION GROUP C; Ataxia-telangiectasia, complementation group E. Identifiers: Orphanet 100, MedGen C0004135, MONDO:0008840, OMIM 208900.

Submissions (2):

Labcorp Genetics (formerly Invitae), Labcorp
Classification: Uncertain significance for Ataxia-telangiectasia syndrome. Last evaluated: 2024-07-25. Review status: criteria provided, single submitter. Criteria: Invitae Variant Classification Sherloc (09022015). Collection method: clinical testing. Allele origin: germline.
Comment: This sequence change replaces alanine, which is neutral and non-polar, with proline, which is neutral and non-polar, at codon 2578 of the ATM protein (p.Ala2578Pro). This variant is not present in population databases (gnomAD no frequency). This variant has not been reported in the literature in individuals affected with ATM-related conditions. ClinVar contains an entry for this variant (Variation ID: 485226). An algorithm developed to predict the effect of missense changes on protein structure and function (PolyPhen-2) suggests that this variant is likely to be tolerated. In summary, the available evidence is currently insufficient to determine the role of this variant in disease. Therefore, it has been classified as a Variant of Uncertain Significance.

Ambry Genetics
Classification: Uncertain significance for Hereditary cancer-predisposing syndrome. Last evaluated: 2017-03-31. Review status: criteria provided, single submitter. Criteria: Ambry Variant Classification Scheme 2023. Collection method: clinical testing. Allele origin: germline.
Comment: The p.A2578P variant (also known as c.7732G>C), located in coding exon 51 of the ATM gene, results from a G to C substitution at nucleotide position 7732. The alanine at codon 2578 is replaced by proline, an amino acid with highly similar properties. This amino acid position is not well conserved in available vertebrate species. In addition, the in silico prediction for this alteration is inconclusive. Since supporting evidence is limited at this time, the clinical significance of this alteration remains unclear.